The following is an entry in ClinVar:

NM_001276270.2(MBD4):c.1530T>C (p.Ile510=)

Gene: MBD4 (methyl-CpG binding domain 4, DNA glycosylase; minus strand). Cytogenetic location: 3q21.3.
Variant type: single nucleotide variant.
Coding change: c.1530T>C on transcript NM_001276270.2 (MANE Select); coding-DNA position 1530, T replaced by C.
Protein change: p.Ile510=; no amino-acid change (isoleucine 510 retained).
Molecular consequence: synonymous variant.
Genome position (GRCh38, 1-based): chr3:129,433,111, A>G on the plus strand (T>C on the coding strand, the complement: MBD4 is on the minus strand). VCF-style: chr3-129433111-A-G. GRCh37 (hg19) VCF-style: chr3-129151954-A-G.
Other names: c.1548T>C, p.Ile516= (NM_001276271.2, NM_001276272.2, NM_003925.3); c.594T>C, p.Ile198= (NM_001276273.2); c.1548T>C (NM_003925.2).
Identifiers: ClinVar variation 3674246 (VCV003674246.5).

ClinVar aggregate classification (germline): Benign/Likely benign. Review status: criteria provided, multiple submitters, no conflicts (2 of 4 stars). 4 submissions from 4 submitters: Benign (1); Likely benign (3). Last evaluated 2026-06-12.

Conditions:
Inborn genetic diseases. Identifiers: MedGen C0950123, MeSH D030342.
MBD4-related disorder. Also called: MBD4-related condition.
Tumor predisposition syndrome 2 (TPDS2). Also called: MBD4-associated neoplasia syndrome (MANS); MBD4-ASSOCIATED NEOPLASIA SYNDROME; MBD4-Related Tumor Predisposition Syndrome. Identifiers: Orphanet 661526, MedGen C5774186, MONDO:0859267, OMIM 619975.

Submissions (4):

Myriad Genetics, Inc.
Classification: Benign for Tumor predisposition syndrome 2. Last evaluated: 2026-06-12. Review status: criteria provided, single submitter. Criteria: Myriad Autosomal Dominant, Autosomal Recessive and X-Linked Classification Criteria (2023). Collection method: clinical testing. Allele origin: unknown.
Comment: This variant is considered benign. This variant is a silent/synonymous amino acid change and it is not expected to impact splicing.

Labcorp Genetics (formerly Invitae), Labcorp
Classification: Likely benign. Last evaluated: 2025-05-18. Review status: criteria provided, single submitter. Criteria: Invitae Variant Classification Sherloc (09022015). Collection method: clinical testing. Allele origin: germline.

PreventionGenetics, part of Exact Sciences
Classification: Likely benign for MBD4-related condition. Last evaluated: 2024-12-26. Review status: criteria provided, single submitter. Criteria: ACMG Guidelines, 2015. Collection method: clinical testing. Allele origin: germline.
Comment: This variant is classified as likely benign based on ACMG/AMP sequence variant interpretation guidelines (Richards et al. 2015 PMID: 25741868, with internal and published modifications).

Ambry Genetics
Classification: Likely benign for Inborn genetic diseases. Last evaluated: 2024-12-12. Review status: criteria provided, single submitter. Criteria: Ambry Variant Classification Scheme 2023. Collection method: clinical testing. Allele origin: germline.